The following is an entry in ClinVar:

NM_002230.4(JUP):c.1497G>C (p.Lys499Asn)

Gene: JUP (junction plakoglobin; minus strand). Cytogenetic location: 17q21.2.
Variant type: single nucleotide variant.
Coding change: c.1497G>C on transcript NM_002230.4 (MANE Select); coding-DNA position 1497, G replaced by C.
Protein change: p.Lys499Asn; replaces lysine 499 with asparagine.
Molecular consequence: missense variant.
Genome position (GRCh38, 1-based): chr17:41,762,983, C>G on the plus strand (G>C on the coding strand, the complement: JUP is on the minus strand). VCF-style: chr17-41762983-C-G. GRCh37 (hg19) VCF-style: chr17-39919235-C-G.
Other names: c.1497G>C, p.Lys499Asn (NM_001352773.2, NM_001352774.2, NM_001352775.2 and 3 more transcripts); short protein forms K499N.
Identifiers: ClinVar variation 1700704 (VCV001700704.3), dbSNP rs1555601984, ClinGen allele CA399496054.

ClinVar aggregate classification (germline): Uncertain significance (1 of 4 stars; one submission).

Submission:

Centre of Medical Genetics, University Hospital Muenster
Classification: Uncertain significance. Last evaluated: 2022-08-04. Review status: criteria provided, single submitter. Criteria: ACMG Guidelines, 2015. Collection method: clinical testing. Allele origin: unknown. Affected: yes. Observed: 1 variant allele, 1 heterozygote.
Comment: ACMG categories: PM2,PP3